The following is an entry in ClinVar:

ClinVar aggregate classification (germline): Uncertain significance (1 of 4 stars; one submission).

Allele frequency attached by ClinVar (database versions not stated): gnomAD exomes below 0.00001.
gnomAD v4.1: 1 of 1,606,838 alleles (0.000062%); highest among the groups gnomAD compares: Non-Finnish European, 0.000085%; no homozygotes.

Submission:

Ambry Genetics
Classification: Uncertain significance. Last evaluated: 2021-12-22. Review status: criteria provided, single submitter. Criteria: Ambry Variant Classification Scheme 2023. Collection method: clinical testing. Allele origin: germline.
Comment: The p.P315S variant (also known as c.943C>T), located in coding exon 6 of the POLQ gene, results from a C to T substitution at nucleotide position 943. The proline at codon 315 is replaced by serine, an amino acid with similar properties. This amino acid position is conserved. In addition, this alteration is predicted to be tolerated by in silico analysis. Since supporting evidence is limited at this time, the clinical significance of this alteration remains unclear.

NM_199420.4(POLQ):c.943C>T (p.Pro315Ser)

Gene: POLQ (DNA polymerase theta; minus strand). Cytogenetic location: 3q13.33.
Variant type: single nucleotide variant.
Coding change: c.943C>T on transcript NM_199420.4 (MANE Select); coding-DNA position 943, C replaced by T.
Protein change: p.Pro315Ser; replaces proline 315 with serine.
Molecular consequence: missense variant.
Genome position (GRCh38, 1-based): chr3:121,533,007, G>A on the plus strand (C>T on the coding strand, the complement: POLQ is on the minus strand). VCF-style: chr3-121533007-G-A. GRCh37 (hg19) VCF-style: chr3-121251854-G-A.
Other names: short protein forms P315S.
Identifiers: ClinVar variation 1766965 (VCV001766965.2), dbSNP rs2546819000, ClinGen allele CA354125799.